The following is an entry in ClinVar:

NM_000257.4(MYH7):c.4645-15C>T

Genes: MHRT (myosin heavy chain associated RNA transcript; plus strand), MYH7 (myosin heavy chain 7; minus strand), LOC126861897 (BRD4-independent group 4 enhancer GRCh37_chr14:23884455-23885654; plus strand). Cytogenetic location: 14q11.2.
Variant type: single nucleotide variant.
Coding change: c.4645-15C>T on transcript NM_000257.4 (MANE Select); 15 bases into the intron before coding-DNA position 4645, C replaced by T.
Molecular consequence: intron variant.
Genome position (GRCh38, 1-based): chr14:23,416,327, G>A on the plus strand (C>T on the coding strand, the complement: MYH7 is on the minus strand). VCF-style: chr14-23416327-G-A. GRCh37 (hg19) VCF-style: chr14-23885536-G-A.
Identifiers: ClinVar variation 918871 (VCV000918871.11), dbSNP rs756657320, ClinGen allele CA043228.
Genomic context (GRCh38, chr14:23,416,327, plus strand): 5'-CCAGCTGGGCCCGGAGGATCTTGCCCTCCTCGTGCTCCAGGGAGGCCTGGGAAGGGGTTG[G>A]GGGAGGGGATGCAGGCAGACAGTCAGGGCACAGGGCAGGGTGGGGGCCTGCTCACTAATC-3'

ClinVar aggregate classification (germline): Likely benign. Review status: criteria provided, multiple submitters, no conflicts (2 of 4 stars). 3 submissions from 3 submitters: Likely benign (3). Last evaluated 2024-02-05.

Conditions:
Cardiomyopathy (CMYO). Also called: Cardiomyopathies. Identifiers: Orphanet 167848, MedGen C0878544, MONDO:0004994, HP:0001638. Inheritance: Various modes of inheritance.
Hypertrophic cardiomyopathy. Also called: HYPERTROPHIC MYOCARDIOPATHY. Identifiers: Orphanet 217569, MedGen C0007194, MeSH D002312, MONDO:0005045, HP:0001639.

Allele frequency attached by ClinVar (database versions not stated): ExAC 0.00001.
gnomAD v4.1: 6 of 1,611,090 alleles (0.00037%); highest among the groups gnomAD compares: Admixed American, 0.0067%; no homozygotes.

Submissions (3):

All of Us Research Program, National Institutes of Health
Classification: Likely benign for Cardiomyopathy. Last evaluated: 2024-02-05. Review status: criteria provided, single submitter. Criteria: ACMG Guidelines, 2015. Collection method: clinical testing. Allele origin: germline. Inheritance: Autosomal dominant inheritance. Observed: 7 variant alleles, 7 heterozygotes.
Comment: This study involves interpretation of variants in research participants for the purpose of population health screening. Participant phenotype was not available at the time of variant classification. Additional details can be found in publication PMID: 35346344, PMCID: PMC8962531

Labcorp Genetics (formerly Invitae), Labcorp
Classification: Likely benign for Hypertrophic cardiomyopathy. Last evaluated: 2023-05-05. Review status: criteria provided, single submitter. Criteria: Invitae Variant Classification Sherloc (09022015). Collection method: clinical testing. Allele origin: germline.

Color Diagnostics, LLC DBA Color Health
Classification: Likely benign for Cardiomyopathy. Last evaluated: 2019-09-10. Review status: criteria provided, single submitter. Criteria: ACMG Guidelines, 2015. Collection method: clinical testing. Allele origin: germline.